The following is an entry in ClinVar:

NM_024642.5(GALNT12):c.1546C>A (p.Leu516Ile)

Gene: GALNT12 (polypeptide N-acetylgalactosaminyltransferase 12; plus strand). Cytogenetic location: 9q22.33.
Variant type: single nucleotide variant.
Coding change: c.1546C>A on transcript NM_024642.5 (MANE Select); coding-DNA position 1546, C replaced by A.
Protein change: p.Leu516Ile; replaces leucine 516 with isoleucine.
Molecular consequence: missense variant.
Genome position (GRCh38, 1-based): chr9:98,846,064, C>A. VCF-style: chr9-98846064-C-A. GRCh37 (hg19) VCF-style: chr9-101608346-C-A.
Other names: short protein forms L516I.
Identifiers: ClinVar variation 951728 (VCV000951728.12), dbSNP rs748778853, ClinGen allele CA5154311.

ClinVar aggregate classification (germline): Uncertain significance. Review status: criteria provided, multiple submitters, no conflicts (2 of 4 stars). 2 submissions from 2 submitters: Uncertain significance (2). Last evaluated 2020-07-24.

Allele frequency attached by ClinVar (database versions not stated): gnomAD exomes below 0.00001 and 0.00001; ExAC 0.00001; gnomAD 0.00001.
gnomAD v4.1: 6 of 1,614,072 alleles (0.00037%); highest among the groups gnomAD compares: African/African-American, 0.0027%; no homozygotes.

Submissions (2):

Ambry Genetics
Classification: Uncertain significance. Last evaluated: 2020-07-24. Review status: criteria provided, single submitter. Criteria: Ambry Variant Classification Scheme 2023. Collection method: clinical testing. Allele origin: germline.
Comment: The p.L516I variant (also known as c.1546C>A), located in coding exon 9 of the GALNT12 gene, results from a C to A substitution at nucleotide position 1546. The leucine at codon 516 is replaced by isoleucine, an amino acid with highly similar properties. This amino acid position is highly conserved in available vertebrate species. In addition, this alteration is predicted to be tolerated by in silico analysis. Since supporting evidence is limited at this time, the clinical significance of this alteration remains unclear.

Labcorp Genetics (formerly Invitae), Labcorp
Classification: Uncertain significance. Last evaluated: 2019-07-11. Review status: criteria provided, single submitter. Criteria: Invitae Variant Classification Sherloc (09022015). Collection method: clinical testing. Allele origin: germline.
Comment: This sequence change replaces leucine with isoleucine at codon 516 of the GALNT12 protein (p.Leu516Ile). The leucine residue is moderately conserved and there is a small physicochemical difference between leucine and isoleucine. This variant is present in population databases (rs748778853, ExAC 0.001%). This variant has not been reported in the literature in individuals with GALNT12-related conditions. Algorithms developed to predict the effect of missense changes on protein structure and function are either unavailable or do not agree on the potential impact of this missense change (SIFT: "Tolerated"; PolyPhen-2: "Possibly Damaging"; Align-GVGD: "Class C0"). In summary, the available evidence is currently insufficient to determine the role of this variant in disease. Therefore, it has been classified as a Variant of Uncertain Significance.